The following is an entry in ClinVar:

NM_000093.5(COL5A1):c.2331+16G>A

Gene: COL5A1 (collagen type V alpha 1 chain; plus strand). Cytogenetic location: 9q34.3.
Variant type: single nucleotide variant.
Coding change: c.2331+16G>A on transcript NM_000093.5 (MANE Select); 16 bases into the intron after coding-DNA position 2331, G replaced by A.
Molecular consequence: intron variant.
Genome position (GRCh38, 1-based): chr9:134,772,850, G>A. VCF-style: chr9-134772850-G-A. GRCh37 (hg19) VCF-style: chr9-137664696-G-A.
Other names: c.2331+16G>A (NM_001278074.1).
Identifiers: ClinVar variation 136865 (VCV000136865.13), dbSNP rs199654385, ClinGen allele CA290233.

ClinVar aggregate classification (germline): Conflicting classifications of pathogenicity. Review status: criteria provided, conflicting classifications (1 of 4 stars). 5 submissions from 5 submitters: Uncertain significance (1); Benign (3); Likely benign (1). Last evaluated 2026-01-20.

Conditions:
Ehlers-Danlos syndrome, classic type, 1 (EDSCL1). Also called: Ehlers-Danlos syndrome, type 1; EHLERS-DANLOS SYNDROME, GRAVIS TYPE; EHLERS-DANLOS SYNDROME, SEVERE CLASSIC TYPE; Ehlers-Danlos Syndrome, Classic Type, COL5A1-Related; EDS I. Identifiers: MedGen C0268335, MONDO:0019567, OMIM 130000.
Ehlers-Danlos syndrome, classic type (cEDS). Identifiers: Orphanet 287, MedGen C4225429, MONDO:0007522.

Allele frequency attached by ClinVar (database versions not stated): gnomAD exomes 0.00020 and 0.00047; gnomAD 0.00027 and 0.00028; ExAC 0.00031; TOPMed 0.00032; ESP Exome Variant Server 0.00038.
gnomAD v4.1: 365 of 1,613,190 alleles (0.023%); highest among the groups gnomAD compares: Middle Eastern, 0.017%; 2 homozygotes.

Submissions (5):

Labcorp Genetics (formerly Invitae), Labcorp
Classification: Benign for Ehlers-Danlos syndrome, classic type, 1. Last evaluated: 2026-01-20. Review status: criteria provided, single submitter. Criteria: Invitae Variant Classification Sherloc (09022015). Collection method: clinical testing. Allele origin: germline.

Blueprint Genetics
Classification: Likely benign. Last evaluated: 2024-10-08. Review status: criteria provided, single submitter. Criteria: ACMG Guidelines, 2015. Collection method: clinical testing. Allele origin: germline.

Women's Health and Genetics/Laboratory Corporation of America, LabCorp
Classification: Benign. Last evaluated: 2024-01-15. Review status: criteria provided, single submitter. Criteria: LabCorp Variant Classification Summary - May 2015. Collection method: clinical testing. Allele origin: germline.

Center for Human Genetics, Inc
Classification: Uncertain significance for Ehlers-Danlos syndrome, classic type, 1. Last evaluated: 2016-11-01. Review status: criteria provided, single submitter. Criteria: ACMG Guidelines, 2015. Collection method: clinical testing. Allele origin: germline. Affected: yes.

GeneDx
Classification: Benign. Last evaluated: 2013-09-13. Review status: criteria provided, single submitter. Criteria: GeneDx Variant Classification (06012015). Collection method: clinical testing. Allele origin: germline. Affected: yes.
Comment: This variant is considered likely benign or benign based on one or more of the following criteria: it is a conservative change, it occurs at a poorly conserved position in the protein, it is predicted to be benign by multiple in silico algorithms, and/or has population frequency not consistent with disease.